The following is an entry in ClinVar:

ClinVar aggregate classification (germline): Likely pathogenic (1 of 4 stars; one submission).

Conditions:
Corneal dystrophy-perceptive deafness syndrome (CDPD). Also called: CORNEAL DYSTROPHY AND SENSORINEURAL DEAFNESS; HARBOYAN SYNDROME. Identifiers: Orphanet 1490, MedGen C1857572, MONDO:0009015, OMIM 217400.

Submission:

Natera, Inc.
Classification: Likely pathogenic for Corneal dystrophy-perceptive deafness syndrome. Last evaluated: 2026-01-21. Review status: criteria provided, single submitter. Criteria: Natera Variant Classification Schema (03/2026). Collection method: clinical testing. Allele origin: germline.
Comment: The c.227_233del variant in SLC4A11 is a frameshift variant predicted to shift the reading frame beginning at codon 76 and leads to a stop codon 38 codons downstream. This variant is expected to result in nonsense mediated decay, truncation, or a dysfunctional protein product. This variant is rare in the general population with a frequency below the threshold expected for the associated phenotype(s). Given the available evidence, this variant is classified as Likely Pathogenic.

NM_001174089.2(SLC4A11):c.179_185del (p.Val60fs)

Gene: SLC4A11 (solute carrier family 4 member 11; minus strand). Cytogenetic location: 20p13.
Variant type: Deletion.
Coding change: c.179_185del on transcript NM_001174089.2 (MANE Select); coding-DNA positions 179 to 185, 7 bases deleted (TGTCTGG; older notation c.179_185delTGTCTGG).
Protein change: p.Val60fs; shifts the reading frame from valine 60.
Molecular consequence: frameshift variant. On other transcripts: non-coding transcript variant (3).
Genome position (GRCh38, 1-based): chr20:3,234,798-3,234,804, CCAGACA deleted on the plus strand (TGTCTGG on the coding strand, the reverse complement: SLC4A11 is on the minus strand); deleting any 7 consecutive bases within chr20:3,234,798-3,234,805 gives the same sequence; the c. name uses the placement nearest the transcript's 3' end. VCF-style (leftmost placement, unchanged base first): chr20-3234797-GCCAGACA-G. GRCh37 (hg19) VCF-style: chr20-3215443-GCCAGACA-G.
Other names: c.308_314del, p.Val103fs (NM_001174090.2, NM_001400280.1); c.179_185del, p.Val60fs (NM_001363745.2); c.122_128del, p.Val41fs (NM_001400277.1, NM_001400278.1, NM_001400279.1); c.227_233del, p.Val76fs (NM_032034.4); short protein forms V103fs, V41fs, V60fs, V76fs.
Identifiers: ClinVar variation 4816311 (VCV004816311.1).